The following is an entry in ClinVar:

ClinVar aggregate classification (germline): Uncertain significance (1 of 4 stars; one submission).

Allele frequency attached by ClinVar (database versions not stated): ExAC 0.00007; gnomAD exomes 0.00008 and 0.00025; TOPMed 0.00008; gnomAD 0.00011 and 0.00013; ESP Exome Variant Server 0.00023.
gnomAD v4.1: 376 of 1,614,104 alleles (0.023%); highest among the groups gnomAD compares: Non-Finnish European, 0.031%; no homozygotes.

Submission:

Labcorp Genetics (formerly Invitae), Labcorp
Classification: Uncertain significance. Last evaluated: 2022-09-27. Review status: criteria provided, single submitter. Criteria: Invitae Variant Classification Sherloc (09022015). Collection method: clinical testing. Allele origin: germline.
Comment: This sequence change replaces cysteine, which is neutral and slightly polar, with arginine, which is basic and polar, at codon 485 of the RBBP8 protein (p.Cys485Arg). The frequency data for this variant in the population databases is considered unreliable, as metrics indicate poor data quality at this position in the gnomAD database. This variant has not been reported in the literature in individuals affected with RBBP8-related conditions. ClinVar contains an entry for this variant (Variation ID: 1386900). Advanced modeling of protein sequence and biophysical properties (such as structural, functional, and spatial information, amino acid conservation, physicochemical variation, residue mobility, and thermodynamic stability) performed at Invitae indicates that this missense variant is not expected to disrupt RBBP8 protein function. In summary, the available evidence is currently insufficient to determine the role of this variant in disease. Therefore, it has been classified as a Variant of Uncertain Significance.

NM_002894.3(RBBP8):c.1453T>C (p.Cys485Arg)

Gene: RBBP8 (RB binding protein 8, endonuclease; plus strand). Cytogenetic location: 18q11.2.
Variant type: single nucleotide variant.
Coding change: c.1453T>C on transcript NM_002894.3 (MANE Select); coding-DNA position 1453, T replaced by C.
Protein change: p.Cys485Arg; replaces cysteine 485 with arginine.
Molecular consequence: missense variant.
Genome position (GRCh38, 1-based): chr18:22,993,280, T>C. VCF-style: chr18-22993280-T-C. GRCh37 (hg19) VCF-style: chr18-20573243-T-C.
Other names: c.1453T>C, p.Cys485Arg (NM_203292.2, NM_203291.2); short protein forms C485R.
Identifiers: ClinVar variation 1386900 (VCV001386900.3), dbSNP rs144267335, ClinGen allele CA8910068.
Genomic context (GRCh38, chr18:22,993,280, plus strand): 5'-TTTGATAAAGAAAATGCTTTCCCTTTTCCAATGGATAATCAGTTTTCCATGAATGGAGAC[T>C]GTGTGATGGATAAACCTCTGGATCTGTCTGATCGATTTTCAGCTATTCAGCGTCAAGAGA-3'
Protein context (NP_002885.1, residues 475-495): MDNQFSMNGD[Cys485Arg]VMDKPLDLSD